The following is an entry in ClinVar:

ClinVar aggregate classification (germline): Conflicting classifications of pathogenicity. Review status: criteria provided, conflicting classifications (1 of 4 stars). 2 submissions from 2 submitters: Uncertain significance (1); Likely benign (1). Last evaluated 2024-08-14.

Conditions:
CHARGE syndrome (CHARGE). Also called: Hittner Hirsch Kreh syndrome; CHARGE ASSOCIATION--COLOBOMA, HEART ANOMALY, CHOANAL ATRESIA, RETARDATION, GENITAL AND EAR ANOMALIES; Coloboma, heart anomaly, choanal atresia, retardation, genital and ear anomalies; CHARGE association; Hall-Hittner syndrome. Identifiers: Orphanet 138, MedGen C0265354, MONDO:0008965.

Allele frequency attached by ClinVar (database versions not stated): TOPMed below 0.00001; ExAC 0.00001.
gnomAD v4.1: 2 of 1,593,268 alleles (0.00013%); highest among the groups gnomAD compares: East Asian, 0.0022%; no homozygotes.

Submissions (2):

GeneDx
Classification: Uncertain significance. Last evaluated: 2024-08-14. Review status: criteria provided, single submitter. Criteria: GeneDx Variant Classification Process June 2021. Collection method: clinical testing. Allele origin: germline. Affected: yes.
Comment: Not observed at significant frequency in large population cohorts (gnomAD); In silico analysis supports that this missense variant has a deleterious effect on protein structure/function; Has not been previously published as pathogenic or benign to our knowledge

Labcorp Genetics (formerly Invitae), Labcorp
Classification: Likely benign for CHARGE syndrome. Last evaluated: 2023-04-06. Review status: criteria provided, single submitter. Criteria: Invitae Variant Classification Sherloc (09022015). Collection method: clinical testing. Allele origin: germline.

NM_017780.4(CHD7):c.2521G>A (p.Ala841Thr)

Gene: CHD7 (chromodomain helicase DNA binding protein 7; plus strand). Cytogenetic location: 8q12.2.
Variant type: single nucleotide variant.
Coding change: c.2521G>A on transcript NM_017780.4 (MANE Select); coding-DNA position 2521, G replaced by A.
Protein change: p.Ala841Thr; replaces alanine 841 with threonine.
Molecular consequence: missense variant. On other transcripts: intron variant (1).
Genome position (GRCh38, 1-based): chr8:60,816,409, G>A. VCF-style: chr8-60816409-G-A. GRCh37 (hg19) VCF-style: chr8-61728968-G-A.
Other names: c.1716+35359G>A (NM_001316690.1); short protein forms A841T.
Identifiers: ClinVar variation 2986278 (VCV002986278.3), dbSNP rs759815314, ClinGen allele CA4759750.